The following is an entry in ClinVar:

NM_016123.4(IRAK4):c.291G>A (p.Ala97=)

Gene: IRAK4 (interleukin 1 receptor associated kinase 4; plus strand). Cytogenetic location: 12q12.
Variant type: single nucleotide variant.
Coding change: c.291G>A on transcript NM_016123.4 (MANE Select); coding-DNA position 291, G replaced by A.
Protein change: p.Ala97=; no amino-acid change (alanine 97 retained).
Molecular consequence: synonymous variant. On other transcripts: 5 prime UTR variant (4), intron variant (6).
Genome position (GRCh38, 1-based): chr12:43,771,349, G>A. VCF-style: chr12-43771349-G-A. GRCh37 (hg19) VCF-style: chr12-44165152-G-A.
Other names: c.291G>A, p.Ala97= (NM_001114182.3, NM_001351345.2); c.-82G>A (NM_001351339.2, NM_001351340.2, NM_001351341.2 and 1 more transcripts); c.-65-831G>A (NM_001351338.2, NM_001145256.2, NM_001145257.2 and 1 more transcripts); c.-216-831G>A (NM_001351343.2, NM_001351344.2).
Identifiers: ClinVar variation 464934 (VCV000464934.41), dbSNP rs17851028, ClinGen allele CA6522320.

ClinVar aggregate classification (germline): Conflicting classifications of pathogenicity. Review status: criteria provided, conflicting classifications (1 of 4 stars). 4 submissions from 4 submitters: Uncertain significance (1); Likely benign (3). Last evaluated 2026-01-27.

Conditions:
Immunodeficiency 67. Also called: Immunodeficiency due to interleukin-1 receptor-associated kinase-4 deficiency. Identifiers: Orphanet 70592, MedGen C1843256, MONDO:0011888, OMIM 607676.

Allele frequency attached by ClinVar (database versions not stated): ExAC 0.00072; gnomAD 0.00076 and 0.00078; gnomAD exomes 0.00081; TOPMed 0.00083; ESP Exome Variant Server 0.00085.
gnomAD v4.1: 1,575 of 1,613,918 alleles (0.098%); highest among the groups gnomAD compares: Non-Finnish European, 0.11%; 1 homozygote.

Submissions (4):

Labcorp Genetics (formerly Invitae), Labcorp
Classification: Likely benign for Immunodeficiency 67. Last evaluated: 2026-01-27. Review status: criteria provided, single submitter. Criteria: Invitae Variant Classification Sherloc (09022015). Collection method: clinical testing. Allele origin: germline.

Blueprint Genetics
Classification: Likely benign. Last evaluated: 2024-11-21. Review status: criteria provided, single submitter. Criteria: ACMG Guidelines, 2015. Collection method: clinical testing. Allele origin: germline.

CeGaT Center for Human Genetics Tuebingen
Classification: Likely benign. Last evaluated: 2022-04-01. Review status: criteria provided, single submitter. Criteria: CeGaT Center For Human Genetics Tuebingen Variant Classification Criteria Version 2. Collection method: clinical testing. Allele origin: germline. Affected: yes. Observed: 1 variant allele.
Comment: IRAK4: BP4, BP7

Illumina Laboratory Services, Illumina
Classification: Uncertain significance for Immunodeficiency 67. Last evaluated: 2017-04-27. Review status: criteria provided, single submitter. Criteria: ICSL Variant Classification Criteria 13 December 2019. Collection method: clinical testing. Allele origin: germline.